The following is an entry in ClinVar:

ClinVar aggregate classification (germline): Conflicting classifications of pathogenicity. Review status: criteria provided, conflicting classifications (1 of 4 stars). 13 submissions from 13 submitters: Uncertain significance (5); Benign (1); Likely benign (5). 2 of the submissions do not count toward it. Last evaluated 2026-09-01.

Conditions:
BRCA2-related cancer predisposition. Identifiers: MedGen CN377758, MONDO:0700269.
BRCA2-related disorder. Also called: BRCA2-related condition; BRCA2-related disorders. Identifiers: MedGen CN239275.
Hereditary cancer-predisposing syndrome. Also called: Hereditary neoplastic syndrome; Tumor predisposition; Neoplastic Syndromes, Hereditary; Hereditary Cancer Syndrome. Identifiers: Orphanet 140162, MedGen C0027672, MeSH D009386, MONDO:0015356.
Hereditary breast ovarian cancer syndrome. Also called: Breast and ovarian cancer; Hereditary breast and/or ovarian cancer syndrome; BRCA1- and BRCA2-Associated Hereditary Breast and Ovarian Cancer; Hereditary breast and ovarian cancer; Hereditary breast and ovarian cancer syndrome; Hereditary breast and ovarian cancer syndrome (HBOC). Identifiers: Orphanet 145, MedGen C0677776, MeSH D061325, MONDO:0003582. Disease mechanism: loss of function.
Breast-ovarian cancer, familial, susceptibility to, 2 (BROVCA2). Also called: BRCA2 Hereditary Breast and Ovarian Cancer. Identifiers: Orphanet 145, MedGen C2675520, MONDO:0012933, OMIM 612555. Disease mechanism: loss of function.

Allele frequency attached by ClinVar (database versions not stated): gnomAD exomes below 0.00001 and 0.00001; ExAC 0.00001; TOPMed 0.00001; gnomAD 0.00002; ESP Exome Variant Server 0.00008.
gnomAD v4.1: 13 of 1,613,772 alleles (0.00081%); highest among the groups gnomAD compares: Middle Eastern, 0.099%; no homozygotes.

Submissions (13):

CeGaT Center for Human Genetics Tuebingen
Classification: Likely benign. Last evaluated: 2026-09-01. Review status: criteria provided, single submitter. Criteria: CeGaT Center For Human Genetics Tuebingen Variant Classification Criteria Version 2. Collection method: clinical testing. Allele origin: germline. Affected: yes. Observed: 1 variant allele.
Comment: BRCA2: BP4, BP7

Labcorp Genetics (formerly Invitae), Labcorp
Classification: Likely benign for Hereditary breast ovarian cancer syndrome. Last evaluated: 2026-01-05. Review status: criteria provided, single submitter. Criteria: Invitae Variant Classification Sherloc (09022015). Collection method: clinical testing. Allele origin: germline.

Color Diagnostics, LLC DBA Color Health
Classification: Likely benign for Hereditary cancer-predisposing syndrome. Last evaluated: 2025-04-08. Review status: criteria provided, single submitter. Criteria: ACMG Guidelines, 2015. Collection method: clinical testing. Allele origin: germline.

Center for Genomic Medicine, Rigshospitalet, Copenhagen University Hospital
Classification: Uncertain significance. Last evaluated: 2025-03-04. Review status: criteria provided, single submitter. Criteria: ACMG Guidelines, 2015. Collection method: clinical testing. Allele origin: germline.

Department of Pathology and Laboratory Medicine, Sinai Health System
Classification: Uncertain significance for BRCA2-related cancer predisposition. Last evaluated: 2024-06-12. Review status: criteria provided, single submitter. Criteria: ACMG Guidelines, 2015. Collection method: clinical testing. Allele origin: germline. Affected: yes.

All of Us Research Program, National Institutes of Health
Classification: Uncertain significance for Breast-ovarian cancer, familial, susceptibility to, 2. Last evaluated: 2023-10-23. Review status: criteria provided, single submitter. Criteria: ACMG Guidelines, 2015. Collection method: clinical testing. Allele origin: germline. Inheritance: Autosomal dominant inheritance. Observed: 1 variant allele, 1 heterozygote.
Comment: This synonymous variant does not change the amino acid sequence of the BRCA2 protein. A minigene splicing assay suggests that this variant caused a partial splicing defect and resulted in exon 18 skipping in some RNA transcripts (PMID: 28339459, 31191615). The aberrant RNA transcript is expected to result in an absent or non-functional protein product. To our knowledge, this variant has not been reported in individuals affected with hereditary cancer in the literature. This variant has been identified in 1/250812 chromosomes in the general population by the Genome Aggregation Database (gnomAD). The available evidence is insufficient to determine the role of this variant in disease conclusively. Therefore, this variant is classified as a Variant of Uncertain Significance.

This study involves interpretation of variants in research participants for the purpose of population health screening. Participant phenotype was not available at the time of variant classification. Additional details can be found in publication PMID: 35346344, PMCID: PMC8962531

Ambry Genetics
Classification: Likely benign for Hereditary cancer-predisposing syndrome. Last evaluated: 2023-07-11. Review status: criteria provided, single submitter. Criteria: Ambry Variant Classification Scheme 2023. Collection method: clinical testing. Allele origin: germline.

Quest Diagnostics Nichols Institute San Juan Capistrano
Classification: Uncertain significance. Last evaluated: 2023-01-20. Review status: criteria provided, single submitter. Criteria: Quest Diagnostics criteria. Collection method: clinical testing. Allele origin: unknown.
Comment: The frequency of this variant in the general population, 0.000004 (1/250812 chromosomes), is uninformative in assessment of its pathogenicity. In the published literature, a mini-gene splicing assay showed this variant causes exon 18 skipping in approximately 15% of the transcripts (PMID: 28339459 (2017)). Additional analysis of this variant using software algorithms for the prediction of the effect of nucleotide changes on splicing yielded predictions that this variant does not affect BRCA2 mRNA splicing . This variant also co-occurred with pathogenic variants in the BRCA2 gene in two individuals in our internal patient population, suggesting it may not be the primary cause of disease. Based on the available information, we are unable to determine the clinical significance of this variant.

Sema4
Classification: Uncertain significance for Hereditary cancer-predisposing syndrome. Last evaluated: 2021-08-25. Review status: criteria provided, single submitter. Criteria: Sema4 Curation Guidelines. Collection method: curation. Allele origin: germline.
Comment: The BRCA2 c.8007A>G (p.R2669=) variant has been reported in at least one individual with hereditary breast and/or ovarian cancer (PMID: 25556971). It was observed in 1/113380 chromosomes of the Non-Finnish European subpopulation in the large and broad cohorts of the Genome Aggregation Database (PMID: 32461654). The variant has been reported in ClinVar (Variation ID 188439). In silico tools suggest that the variant has an effect on splicing which has been confirmed by functional studies. The minigene assay showed the variant to result in exon 18 deletion in about ~ 15% of the transcripts (PMID 31191615, 28339459). The evidence is insufficient to meet ACMG/AMP criteria for classifying the variant as benign or pathogenic. Thus, the clinical significance of this variant is currently uncertain.

Women's Health and Genetics/Laboratory Corporation of America, LabCorp
Classification: Likely benign. Last evaluated: 2020-10-08. Review status: criteria provided, single submitter. Criteria: LabCorp Variant Classification Summary - May 2015. Collection method: clinical testing. Allele origin: germline.

GeneDx
Classification: Benign. Last evaluated: 2015-03-03. Review status: criteria provided, single submitter. Criteria: GeneDx Variant Classification Process June 2021. Collection method: clinical testing. Allele origin: germline. Affected: yes.
Comment: This variant is associated with the following publications: (PMID: 28339459)

PreventionGenetics, part of Exact Sciences
Classification: Likely benign for BRCA2-related condition. Last evaluated: 2023-08-11. Review status: no assertion criteria provided. Collection method: clinical testing. Allele origin: germline. Not counted in ClinVar's aggregate classification.
Comment: This variant is classified as likely benign based on ACMG/AMP sequence variant interpretation guidelines (Richards et al. 2015 PMID: 25741868, with internal and published modifications).

Counsyl
Classification: Uncertain significance for Breast-ovarian cancer, familial, susceptibility to, 2. Last evaluated: 2018-01-18. Review status: no assertion criteria provided. Collection method: clinical testing. Allele origin: unknown. Not counted in ClinVar's aggregate classification.

Literature cited by the submitters: PubMed 31191615 (cited by 4 submitters); PubMed 25556971 (cited by 5 submitters); PubMed 28339459 (cited by 5 submitters).

NM_000059.4(BRCA2):c.8007A>G (p.Arg2669=)

Gene: BRCA2 (BRCA2 DNA repair associated; plus strand). Cytogenetic location: 13q13.1.
Variant type: single nucleotide variant.
Coding change: c.8007A>G on transcript NM_000059.4 (MANE Select); coding-DNA position 8007, A replaced by G.
Protein change: p.Arg2669=; no amino-acid change (arginine 2669 retained).
Molecular consequence: synonymous variant.
Genome position (GRCh38, 1-based): chr13:32,363,209, A>G. VCF-style: chr13-32363209-A-G. GRCh37 (hg19) VCF-style: chr13-32937346-A-G.
Identifiers: ClinVar variation 188439 (VCV000188439.36), dbSNP rs143999963, ClinGen allele CA025397.